The following is an entry in ClinVar:

NM_004407.4(DMP1):c.534del (p.Glu179fs)

Genes: DMP1 (dentin matrix acidic phosphoprotein 1; plus strand), DMP1-AS1 (DMP1 and DSPP antisense RNA 1; minus strand). Cytogenetic location: 4q22.1.
Variant type: Deletion.
Coding change: c.534del on transcript NM_004407.4 (MANE Select); coding-DNA position 534, one base deleted (T; older notation c.534delT).
Protein change: p.Glu179fs; shifts the reading frame from glutamic acid 179.
Molecular consequence: frameshift variant.
Genome position (GRCh38, 1-based): chr4:87,662,312, T deleted. VCF-style (leftmost placement, unchanged base first): chr4-87662311-CT-C. GRCh37 (hg19) VCF-style: chr4-88583463-CT-C.
Other names: c.486del, p.Glu163fs (NM_001079911.3); short protein forms E163fs, E179fs.
Identifiers: ClinVar variation 3906100 (VCV003906100.10).

ClinVar aggregate classification (germline): Likely pathogenic (1 of 4 stars; one submission).

Submission:

CeGaT Center for Human Genetics Tuebingen
Classification: Likely pathogenic. Last evaluated: 2025-06-01. Review status: criteria provided, single submitter. Criteria: CeGaT Center For Human Genetics Tuebingen Variant Classification Criteria Version 2. Collection method: clinical testing. Allele origin: germline. Affected: yes. Observed: 1 variant allele.
Comment: DMP1: PVS1:Strong, PM2, PM3